The following is an entry in ClinVar:

ClinVar aggregate classification (germline): Uncertain significance (1 of 4 stars; one submission).

Conditions:
Alstrom syndrome (ALMS). Identifiers: Orphanet 64, MedGen C0268425, MONDO:0008763, OMIM 203800.

Submission:

Helix
Classification: Uncertain significance for Alstrom syndrome. Last evaluated: 2026-05-07. Review status: criteria provided, single submitter. Criteria: ACMG Guidelines, 2015. Collection method: clinical testing. Allele origin: germline. Inheritance: Autosomal recessive inheritance.
Comment: This variant (NM_001378454.1:c.2260A>G p.Thr754Ala) results in the substitution of threonine with alanine at codon 754 in the ALMS1 protein. It is a rare variant that is absent from the large gnomAD population database (v4.1). To our knowledge, this variant has not been reported in individuals with ALMS1-related conditions in the published literature. In silico prediction from REVEL (PMID: 27666373) suggests that this variant may be benign. In conclusion, since the available evidence is limited, the clinical significance of this variant is unclear at this time. Therefore, it is classified as a Variant of Uncertain Significance.

NM_001378454.1(ALMS1):c.2260A>G (p.Thr754Ala)

Gene: ALMS1 (ALMS1 centrosome and basal body associated protein; plus strand). Cytogenetic location: 2p13.1.
Variant type: single nucleotide variant.
Coding change: c.2260A>G on transcript NM_001378454.1 (MANE Select); coding-DNA position 2260, A replaced by G.
Protein change: p.Thr754Ala; replaces threonine 754 with alanine.
Molecular consequence: missense variant.
Genome position (GRCh38, 1-based): chr2:73,448,787, A>G. VCF-style: chr2-73448787-A-G. GRCh37 (hg19) VCF-style: chr2-73675914-A-G.
Other names: c.2263A>G, p.Thr755Ala (NM_015120.4); short protein forms T754A, T755A.
Identifiers: ClinVar variation 4890812 (VCV004890812.1).